The following is an entry in ClinVar:

ClinVar aggregate classification (germline): Uncertain significance (1 of 4 stars; one submission).

Conditions:
Inborn genetic diseases. Identifiers: MedGen C0950123, MeSH D030342.

Submission:

Ambry Genetics
Classification: Uncertain significance for Inborn genetic diseases. Last evaluated: 2024-11-23. Review status: criteria provided, single submitter. Criteria: Ambry Variant Classification Scheme 2023. Collection method: clinical testing. Allele origin: germline.
Comment: The p.A206T variant (also known as c.616G>A), located in coding exon 2 of the FANCM gene, results from a G to A substitution at nucleotide position 616. The alanine at codon 206 is replaced by threonine, an amino acid with similar properties. This amino acid position is conserved. In addition, this alteration is predicted to be tolerated by in silico analysis. Based on the available evidence, the clinical significance of this variant remains unclear.

NM_020937.4(FANCM):c.616G>A (p.Ala206Thr)

Gene: FANCM (FA complementation group M; plus strand). Cytogenetic location: 14q21.2.
Variant type: single nucleotide variant.
Coding change: c.616G>A on transcript NM_020937.4 (MANE Select); coding-DNA position 616, G replaced by A.
Protein change: p.Ala206Thr; replaces alanine 206 with threonine.
Molecular consequence: missense variant.
Genome position (GRCh38, 1-based): chr14:45,137,176, G>A. VCF-style: chr14-45137176-G-A. GRCh37 (hg19) VCF-style: chr14-45606379-G-A.
Other names: c.616G>A, p.Ala206Thr (NM_001308133.2, NM_001308134.2); short protein forms A206T.
Identifiers: ClinVar variation 3512909 (VCV003512909.1).
Genomic context (GRCh38, chr14:45,137,176, plus strand): 5'-GTGCTTTTTCTTACACCTCAGGTCATGGTAAATGACCTTTCTAGAGGAGCTTGTCCCGCT[G>A]CTGAAATAAAGTGTTTAGTTATTGATGAAGCTCATAAAGCTCTCGGAAACTATGCTTATT-3'
Protein context (NP_065988.1, residues 196-216): NDLSRGACPA[Ala206Thr]EIKCLVIDEA